The following is an entry in ClinVar:

NM_006269.2(RP1):c.1847C>G (p.Ser616Ter)

Gene: RP1 (RP1 axonemal microtubule associated; plus strand). Cytogenetic location: 8q12.1.
Variant type: single nucleotide variant.
Coding change: c.1847C>G on transcript NM_006269.2 (MANE Select); coding-DNA position 1847, C replaced by G.
Protein change: p.Ser616Ter; replaces serine 616 with a stop codon.
Molecular consequence: nonsense. On other transcripts: intron variant (1).
Genome position (GRCh38, 1-based): chr8:54,625,729, C>G. VCF-style: chr8-54625729-C-G. GRCh37 (hg19) VCF-style: chr8-55538289-C-G.
Other names: c.787+3441C>G (NM_001375654.1); short protein forms S616*.
Identifiers: ClinVar variation 3249595 (VCV003249595.3).

ClinVar aggregate classification (germline): Pathogenic/Likely pathogenic. Review status: criteria provided, multiple submitters, no conflicts (2 of 4 stars). 3 submissions from 3 submitters: Pathogenic (1); Likely pathogenic (1). 1 of the submissions does not count toward it. Last evaluated 2025-10-06.

Conditions:
RP1-related disorder. Also called: RP1-related condition.
Retinal dystrophy. Also called: Inherited retinal dystrophy. Identifiers: Orphanet 71862, MedGen C0854723, MeSH D058499, MONDO:0019118, HP:0000556.
Retinitis pigmentosa 1 (RP1). Identifiers: Orphanet 791, MedGen C0220701, MONDO:0008377, OMIM 180100.

Submissions (3):

Clinical Genetics Laboratory, University Hospital Schleswig-Holstein
Classification: Pathogenic for Retinitis pigmentosa 1. Last evaluated: 2025-10-06. Review status: criteria provided, single submitter. Criteria: ACMG Guidelines, 2015. Collection method: clinical testing. Allele origin: biparental. Observed: 2 homozygotes.
Comment: ACMG criteria applied: PM2, PVS1, PS4_Supporting

Blueprint Genetics
Classification: Likely pathogenic for RP1-related disorders. Last evaluated: 2023-02-03. Review status: criteria provided, single submitter. Criteria: ACMG Guidelines, 2015. Collection method: clinical testing. Allele origin: germline. Affected: yes. Observed: 1 variant allele.

Institute of Human Genetics, Univ. Regensburg, Univ. Regensburg
Classification: Pathogenic for Retinal dystrophy. Last evaluated: 2023-01-01. Review status: no assertion criteria provided. Criteria: ACMG Guidelines, 2015. Collection method: clinical testing. Allele origin: germline. Affected: yes. Not counted in ClinVar's aggregate classification.